The following is an entry in ClinVar:

NM_016151.4(TAOK2):c.3698C>G (p.Pro1233Arg)

Gene: TAOK2 (TAO kinase 2; plus strand). Cytogenetic location: 16p11.2.
Variant type: single nucleotide variant.
Coding change: c.3698C>G on transcript NM_016151.4 (MANE Select); coding-DNA position 3698, C replaced by G.
Protein change: p.Pro1233Arg; replaces proline 1233 with arginine.
Molecular consequence: missense variant. On other transcripts: intron variant (1).
Genome position (GRCh38, 1-based): chr16:29,987,970, C>G. VCF-style: chr16-29987970-C-G. GRCh37 (hg19) VCF-style: chr16-29999291-C-G.
Other names: c.3359C>G, p.Pro1120Arg (NM_001252043.2); c.2232+1466C>G (NM_004783.4); short protein forms P1120R, P1233R.
Identifiers: ClinVar variation 1948201 (VCV001948201.5), dbSNP rs549071207, ClinGen allele CA7998640.

ClinVar aggregate classification (germline): Uncertain significance (1 of 4 stars; one submission).

gnomAD v4.1: 24 of 1,530,782 alleles (0.0016%); highest among the groups gnomAD compares: East Asian, 0.011%; no homozygotes.

Submission:

Labcorp Genetics (formerly Invitae), Labcorp
Classification: Uncertain significance. Last evaluated: 2024-06-03. Review status: criteria provided, single submitter. Criteria: Invitae Variant Classification Sherloc (09022015). Collection method: clinical testing. Allele origin: germline.
Comment: This sequence change replaces proline, which is neutral and non-polar, with arginine, which is basic and polar, at codon 1233 of the TAOK2 protein (p.Pro1233Arg). This variant is present in population databases (rs549071207, gnomAD 0.02%). This variant has not been reported in the literature in individuals affected with TAOK2-related conditions. ClinVar contains an entry for this variant (Variation ID: 1948201). An algorithm developed to predict the effect of missense changes on protein structure and function (PolyPhen-2) suggests that this variant is likely to be disruptive. In summary, the available evidence is currently insufficient to determine the role of this variant in disease. Therefore, it has been classified as a Variant of Uncertain Significance.